The following is an entry in ClinVar:

ClinVar aggregate classification (germline): Likely benign. Review status: criteria provided, multiple submitters, no conflicts (2 of 4 stars). 3 submissions from 3 submitters: Likely benign (3). Last evaluated 2026-04-28.

Conditions:
Colorectal cancer, hereditary nonpolyposis, type 7. Identifiers: Orphanet 144, MedGen C1858380, MONDO:0013725, OMIM 614385.

Allele frequency attached by ClinVar (database versions not stated): gnomAD exomes 0.00003 and 0.00006; ExAC 0.00005.

Submissions (3):

Myriad Genetics, Inc.
Classification: Likely benign for Colorectal cancer, hereditary nonpolyposis, type 7. Last evaluated: 2026-04-28. Review status: criteria provided, single submitter. Criteria: Myriad Autosomal Dominant, Autosomal Recessive and X-Linked Classification Criteria (2023). Collection method: clinical testing. Allele origin: unknown.
Comment: This variant is considered likely benign. This variant is intronic and is not expected to impact mRNA splicing.

Center for Genomic Medicine, Rigshospitalet, Copenhagen University Hospital
Classification: Likely benign. Last evaluated: 2025-12-29. Review status: criteria provided, single submitter. Criteria: ACMG Guidelines, 2015. Collection method: clinical testing. Allele origin: germline.

Labcorp Genetics (formerly Invitae), Labcorp
Classification: Likely benign for Colorectal cancer, hereditary nonpolyposis, type 7. Last evaluated: 2022-07-13. Review status: criteria provided, single submitter. Criteria: Invitae Variant Classification Sherloc (09022015). Collection method: clinical testing. Allele origin: germline.

NM_001040108.2(MLH3):c.3570+9T>C

Gene: MLH3 (mutL homolog 3; minus strand). Cytogenetic location: 14q24.3.
Variant type: single nucleotide variant.
Coding change: c.3570+9T>C on transcript NM_001040108.2 (MANE Select); 9 bases into the intron after coding-DNA position 3570, T replaced by C.
Molecular consequence: intron variant.
Genome position (GRCh38, 1-based): chr14:75,039,902, A>G on the plus strand (T>C on the coding strand, the complement: MLH3 is on the minus strand). VCF-style: chr14-75039902-A-G. GRCh37 (hg19) VCF-style: chr14-75506605-A-G.
Other names: c.3570+9T>C (NM_014381.3).
Identifiers: ClinVar variation 1451996 (VCV001451996.10), dbSNP rs769178899, ClinGen allele CA7275451.